The following is an entry in ClinVar:

ClinVar aggregate classification (germline): Uncertain significance (1 of 4 stars; one submission).

Allele frequency attached by ClinVar (database versions not stated): gnomAD exomes below 0.00001; TOPMed below 0.00001; gnomAD 0.00001.

Submission:

Labcorp Genetics (formerly Invitae), Labcorp
Classification: Uncertain significance. Last evaluated: 2023-05-14. Review status: criteria provided, single submitter. Criteria: Invitae Variant Classification Sherloc (09022015). Collection method: clinical testing. Allele origin: germline.
Comment: This sequence change falls in intron 4 of the POLR3F gene. It does not directly change the encoded amino acid sequence of the POLR3F protein. This variant is present in population databases (no rsID available, gnomAD 0.01%). This variant has not been reported in the literature in individuals affected with POLR3F-related conditions. Experimental studies and prediction algorithms are not available or were not evaluated, and the effect of this variant on mRNA splicing is currently unknown. In summary, the available evidence is currently insufficient to determine the role of this variant in disease. Therefore, it has been classified as a Variant of Uncertain Significance.

NM_006466.4(POLR3F):c.316+7del

Gene: POLR3F (RNA polymerase III subunit F; plus strand). Cytogenetic location: 20p11.23.
Variant type: Deletion.
Coding change: c.316+7del on transcript NM_006466.4 (MANE Select); 7 bases into the intron after coding-DNA position 316, one base deleted (A; older notation c.316+7delA).
Molecular consequence: intron variant.
Genome position (GRCh38, 1-based): chr20:18,473,465, A deleted. VCF-style (leftmost placement, unchanged base first): chr20-18473464-CA-C. GRCh37 (hg19) VCF-style: chr20-18454108-CA-C.
Other names: c.193+7del (NM_001282526.2); c.316+7del (NM_001410821.1).
Identifiers: ClinVar variation 2818574 (VCV002818574.3), dbSNP rs1185319568, ClinGen allele CA634859252.